The following is an entry in ClinVar:

ClinVar aggregate classification (germline): Likely benign (1 of 4 stars; one submission).

Allele frequency attached by ClinVar (database versions not stated): gnomAD exomes 0.00003; TOPMed 0.00003; gnomAD 0.00004; ExAC 0.00009.
gnomAD v4.1: 48 of 1,614,030 alleles (0.003%); highest among the groups gnomAD compares: East Asian, 0.011%; no homozygotes.

Submission:

CeGaT Center for Human Genetics Tuebingen
Classification: Likely benign. Last evaluated: 2022-06-01. Review status: criteria provided, single submitter. Criteria: CeGaT Center For Human Genetics Tuebingen Variant Classification Criteria Version 2. Collection method: clinical testing. Allele origin: germline. Affected: yes. Observed: 1 variant allele.
Comment: BRD1: BP4, BP7

NM_001304808.3(BRD1):c.372C>T (p.Ile124=)

Gene: BRD1 (bromodomain containing 1; minus strand). Cytogenetic location: 22q13.33.
Variant type: single nucleotide variant.
Coding change: c.372C>T on transcript NM_001304808.3 (MANE Select); coding-DNA position 372, C replaced by T.
Protein change: p.Ile124=; no amino-acid change (isoleucine 124 retained).
Molecular consequence: synonymous variant. On other transcripts: 5 prime UTR variant (1), non-coding transcript variant (2), intron variant (1).
Genome position (GRCh38, 1-based): chr22:49,823,946, G>A on the plus strand (C>T on the coding strand, the complement: BRD1 is on the minus strand). VCF-style: chr22-49823946-G-A. GRCh37 (hg19) VCF-style: chr22-50217594-G-A.
Other names: c.372C>T, p.Ile124= (NM_001304809.1, NM_001349940.2, NM_001349941.2 and 4 more transcripts); c.-1324C>T (NM_001349942.2); c.-176+3551C>T (NM_001394550.1).
Identifiers: ClinVar variation 2653350 (VCV002653350.24), dbSNP rs762464745, ClinGen allele CA10299320.